The following is an entry in ClinVar:

NM_000053.4(ATP7B):c.3391G>A (p.Gly1131Ser)

Gene: ATP7B (ATPase copper transporting beta; minus strand). Cytogenetic location: 13q14.3.
Variant type: single nucleotide variant.
Coding change: c.3391G>A on transcript NM_000053.4 (MANE Select); coding-DNA position 3391, G replaced by A.
Protein change: p.Gly1131Ser; replaces glycine 1131 with serine.
Molecular consequence: missense variant.
Genome position (GRCh38, 1-based): chr13:51,942,407, C>T on the plus strand (G>A on the coding strand, the complement: ATP7B is on the minus strand). VCF-style: chr13-51942407-C-T. GRCh37 (hg19) VCF-style: chr13-52516543-C-T.
Other names: c.3151G>A, p.Gly1051Ser (NM_001406530.1); c.3139G>A, p.Gly1047Ser (NM_001406531.1, NM_001406532.1, NM_001330579.2); c.3103G>A, p.Gly1035Ser (NM_001406534.1); c.3061G>A, p.Gly1021Ser (NM_001406535.1, NM_001406536.1); c.3052G>A, p.Gly1018Ser (NM_001406537.1); c.3157G>A, p.Gly1053Ser (NM_001406538.1, NM_001406528.1, NM_001330578.2 and 1 more transcripts); c.2962G>A, p.Gly988Ser (NM_001406539.1); c.2944G>A, p.Gly982Ser (NM_001406540.1); and 19 more; short protein forms G1015S, G1018S, G1020S, G1021S, G1035S, G1047S, G1051S, G1053S.
Identifiers: ClinVar variation 3074481 (VCV003074481.1), dbSNP rs2547611577, ClinGen allele CA388027804.
Genomic context (GRCh38, chr13:51,942,407, plus strand): 5'-CTACTTTTAACCAGCTGCAGAGACAAAAGCCAGCAATACCTTTTTCTGCGGGAAGGCTGC[C>T]AGCCTCATTCAGGTGACTGGCCGGTGCACTCAAAGGGCGCTCACTGTGGGCCAGGATGCC-3'
Protein context (NP_000044.2, residues 1121-1141): SAPASHLNEA[Gly1131Ser]SLPAEKDAVP

ClinVar aggregate classification (germline): Uncertain significance (1 of 4 stars; one submission).

Conditions:
Wilson disease (WND). Also called: Wilson's disease. Identifiers: Orphanet 905, MedGen C0019202, MONDO:0010200, OMIM 277900. Disease mechanism: loss of function.

Submission:

All of Us Research Program, National Institutes of Health
Classification: Uncertain significance for Wilson disease. Last evaluated: 2023-11-20. Review status: criteria provided, single submitter. Criteria: ACMG Guidelines, 2015. Collection method: clinical testing. Allele origin: germline. Inheritance: Autosomal recessive inheritance. Observed: 1 variant allele, 1 heterozygote.
Comment: This missense variant replaces glycine with serine at codon 1131 of the ATP7B protein. Computational prediction suggests that this variant may not impact protein structure and function (internally defined REVEL score threshold <= 0.5, PMID: 27666373). To our knowledge, functional studies have not been reported for this variant. This variant has not been reported in individuals affected with ATP7B-related disorders in the literature. This variant has not been identified in the general population by the Genome Aggregation Database (gnomAD). The available evidence is insufficient to determine the role of this variant in disease conclusively. Therefore, this variant is classified as a Variant of Uncertain Significance.

This study involves interpretation of variants in research participants for the purpose of population health screening. Participant phenotype was not available at the time of variant classification. Additional details can be found in publication PMID: 35346344, PMCID: PMC8962531